The following is an entry in ClinVar:

NM_015488.5(PNKD):c.455G>A (p.Arg152Gln)

Genes: CATIP-AS2 (CATIP antisense RNA 2; minus strand), PNKD (PNKD metallo-beta-lactamase domain containing; plus strand). Cytogenetic location: 2q35.
Variant type: single nucleotide variant.
Coding change: c.455G>A on transcript NM_015488.5 (MANE Select); coding-DNA position 455, G replaced by A.
Protein change: p.Arg152Gln; replaces arginine 152 with glutamine.
Molecular consequence: missense variant.
Genome position (GRCh38, 1-based): chr2:218,340,131, G>A. VCF-style: chr2-218340131-G-A. GRCh37 (hg19) VCF-style: chr2-219204854-G-A.
Other names: c.383G>A, p.Arg128Gln (NM_022572.5); short protein forms R152Q, R128Q.
Identifiers: ClinVar variation 334315 (VCV000334315.23), dbSNP rs73990423, ClinGen allele CA2103951.

ClinVar aggregate classification (germline): Benign. Review status: criteria provided, multiple submitters, no conflicts (2 of 4 stars). 7 submissions from 7 submitters: Benign (6). 1 of the submissions does not count toward it. Last evaluated 2026-02-03.

Conditions:
Paroxysmal nonkinesigenic dyskinesia. Also called: Paroxysmal non-kinesigenic dyskinesia. Identifiers: Orphanet 98810, MedGen C1869117, MONDO:0700088.
PNKD-related disorder. Also called: PNKD-related condition.
Paroxysmal nonkinesigenic dyskinesia 1 (PNKD1). Also called: Nonkinesigenic choreoathetosis; Familial paroxysmal choreoathetosis; DYSTONIA 8; Familial Paroxysmal Nonkinesigenic Dyskinesia; MOUNT-REBACK SYNDROME; PxMD-PNKD. Identifiers: Orphanet 98810, MedGen C4551506, MONDO:0700089, OMIM 118800, MONDO:0007326.

Allele frequency attached by ClinVar (database versions not stated): gnomAD exomes 0.00167 and 0.00429; ExAC 0.00524; gnomAD 0.01708 and 0.01825; 1000 Genomes Project 0.01797; ESP Exome Variant Server 0.01907; TOPMed 0.01957; 1000 Genomes Project 30x 0.02014.
gnomAD v4.1: 5,156 of 1,608,544 alleles (0.32%); highest among the groups gnomAD compares: African/African-American, 6%; 146 homozygotes.

Submissions (7):

Labcorp Genetics (formerly Invitae), Labcorp
Classification: Benign for Paroxysmal nonkinesigenic dyskinesia. Last evaluated: 2026-02-03. Review status: criteria provided, single submitter. Criteria: Invitae Variant Classification Sherloc (09022015). Collection method: clinical testing. Allele origin: germline.

Athena Diagnostics
Classification: Benign. Last evaluated: 2023-11-28. Review status: criteria provided, single submitter. Criteria: Athena Diagnostics Criteria. Collection method: clinical testing. Allele origin: unknown.

GeneDx
Classification: Benign. Last evaluated: 2018-08-20. Review status: criteria provided, single submitter. Criteria: GeneDx Variant Classification Process June 2021. Collection method: clinical testing. Allele origin: germline. Affected: yes.

Mayo Clinic Laboratories, Mayo Clinic
Classification: Benign. Last evaluated: 2018-08-06. Review status: criteria provided, single submitter. Criteria: ACMG Guidelines, 2015. Collection method: clinical testing. Allele origin: germline. Observed: 11 variant alleles.

Illumina Laboratory Services, Illumina
Classification: Benign for Paroxysmal nonkinesigenic dyskinesia 1. Last evaluated: 2018-01-12. Review status: criteria provided, single submitter. Criteria: ICSL Variant Classification Criteria 13 December 2019. Collection method: clinical testing. Allele origin: germline.
Comment: This variant was observed in the ICSL laboratory as part of a predisposition screen in an ostensibly healthy population. It had not been previously curated by ICSL or reported in the Human Gene Mutation Database (HGMD: prior to June 1st, 2018), and was therefore a candidate for classification through an automated scoring system. Utilizing variant allele frequency, disease prevalence and penetrance estimates, and inheritance mode, an automated score was calculated to assess if this variant is too frequent to cause the disease. Based on the score and internal cut-off values, a variant classified as benign is not then subjected to further curation. The score for this variant resulted in a classification of benign for this disease.

Breakthrough Genomics
Classification: Benign. Review status: criteria provided, single submitter. Criteria: ACMG Guidelines, 2015. Collection method: not provided. Allele origin: germline. Inheritance: Autosomal dominant inheritance. Affected: yes.

PreventionGenetics, part of Exact Sciences
Classification: Benign for PNKD-related condition. Last evaluated: 2019-03-13. Review status: no assertion criteria provided. Collection method: clinical testing. Allele origin: germline. Not counted in ClinVar's aggregate classification.
Comment: This variant is classified as benign based on ACMG/AMP sequence variant interpretation guidelines (Richards et al. 2015 PMID: 25741868, with internal and published modifications).